The following is an entry in ClinVar:

NM_001089.3(ABCA3):c.4178G>A (p.Arg1393Gln)

Gene: ABCA3 (ATP binding cassette subfamily A member 3; minus strand). Cytogenetic location: 16p13.3.
Variant type: single nucleotide variant.
Coding change: c.4178G>A on transcript NM_001089.3 (MANE Select); coding-DNA position 4178, G replaced by A.
Protein change: p.Arg1393Gln; replaces arginine 1393 with glutamine.
Molecular consequence: missense variant.
Genome position (GRCh38, 1-based): chr16:2,281,208, C>T on the plus strand (G>A on the coding strand, the complement: ABCA3 is on the minus strand). VCF-style: chr16-2281208-C-T. GRCh37 (hg19) VCF-style: chr16-2331209-C-T.
Other names: short protein forms R1393Q.
Identifiers: ClinVar variation 1738464 (VCV001738464.3), dbSNP rs148317800, ClinGen allele CA7840210.

ClinVar aggregate classification (germline): Uncertain significance. Review status: criteria provided, multiple submitters, no conflicts (2 of 4 stars). 2 submissions from 2 submitters: Uncertain significance (2). Last evaluated 2025-10-07.

Conditions:
Hereditary pulmonary alveolar proteinosis. Also called: Pulmonary surfactant metabolism dysfunction. Identifiers: Orphanet 264675, MedGen C3711368, MONDO:0012580.

Allele frequency attached by ClinVar (database versions not stated): ExAC 0.00004; gnomAD exomes 0.00004; TOPMed 0.00004; gnomAD 0.00007; ESP Exome Variant Server 0.00008.
gnomAD v4.1: 76 of 1,613,538 alleles (0.0047%); highest among the groups gnomAD compares: South Asian, 0.0033%; no homozygotes.

Submissions (2):

Labcorp Genetics (formerly Invitae), Labcorp
Classification: Uncertain significance. Last evaluated: 2025-10-07. Review status: criteria provided, single submitter. Criteria: Invitae Variant Classification Sherloc (09022015). Collection method: clinical testing. Allele origin: germline.
Comment: This sequence change replaces arginine, which is basic and polar, with glutamine, which is neutral and polar, at codon 1393 of the ABCA3 protein (p.Arg1393Gln). This variant is present in population databases (rs148317800, gnomAD 0.09%). This variant has not been reported in the literature in individuals affected with ABCA3-related conditions. ClinVar contains an entry for this variant (Variation ID: 1738464). An algorithm developed to predict the effect of missense changes on protein structure and function outputs the following: PolyPhen-2: "Benign". The glutamine amino acid residue is found in multiple mammalian species, which suggests that this missense change does not adversely affect protein function. In summary, the available evidence is currently insufficient to determine the role of this variant in disease. Therefore, it has been classified as a Variant of Uncertain Significance.

Ambry Genetics
Classification: Uncertain significance for Hereditary pulmonary alveolar proteinosis. Last evaluated: 2022-03-29. Review status: criteria provided, single submitter. Criteria: Ambry Variant Classification Scheme 2023. Collection method: clinical testing. Allele origin: germline.